The following is an entry in ClinVar:

NM_000222.3(KIT):c.2809T>G (p.Ser937Ala)

Gene: KIT (KIT proto-oncogene, receptor tyrosine kinase; plus strand). Cytogenetic location: 4q12.
Variant type: single nucleotide variant.
Coding change: c.2809T>G on transcript NM_000222.3 (MANE Select); coding-DNA position 2809, T replaced by G.
Protein change: p.Ser937Ala; replaces serine 937 with alanine.
Molecular consequence: missense variant.
Genome position (GRCh38, 1-based): chr4:54,738,435, T>G. VCF-style: chr4-54738435-T-G. GRCh37 (hg19) VCF-style: chr4-55604601-T-G.
Other names: c.2797T>G, p.Ser933Ala (NM_001093772.2, NM_001385292.1); c.2812T>G, p.Ser938Ala (NM_001385284.1); c.2806T>G, p.Ser936Ala (NM_001385285.1); c.2794T>G, p.Ser932Ala (NM_001385286.1); c.2800T>G, p.Ser934Ala (NM_001385288.1); c.2809T>G, p.Ser937Ala (NM_001385290.1); short protein forms S937A, S933A, S932A, S934A, S936A, S938A.
Identifiers: ClinVar variation 570603 (VCV000570603.10), dbSNP rs1560426319, ClinGen allele CA356915683.
Genomic context (GRCh38, chr4:54,738,435, plus strand): 5'-TTGCTATGTTCGTTGTAGGGACTGCTGTATTGACTATGGGCTTGTTTTCTCCAGATTTAC[T>G]CCAACTTAGCAAACTGCAGCCCCAACCGACAGAAGCCCGTGGTAGACCATTCTGTGCGGA-3'
Protein context (NP_000213.1, residues 927-947): QISESTNHIY[Ser937Ala]NLANCSPNRQ

ClinVar aggregate classification (germline): Uncertain significance. Review status: criteria provided, multiple submitters, no conflicts (2 of 4 stars). 2 submissions from 2 submitters: Uncertain significance (2). Last evaluated 2024-05-07.

Conditions:
Gastrointestinal stromal tumor. Also called: Gastrointestinal stromal tumor, somatic; Gastrointestinal stroma tumor. Identifiers: Orphanet 44890, MedGen C0238198, MeSH D046152, MONDO:0011719, OMIM 606764, HP:0100723.
Hereditary cancer-predisposing syndrome. Also called: Hereditary neoplastic syndrome; Neoplastic Syndromes, Hereditary; Hereditary Cancer Syndrome; Tumor predisposition. Identifiers: Orphanet 140162, MedGen C0027672, MeSH D009386, MONDO:0015356.

Submissions (2):

Ambry Genetics
Classification: Uncertain significance for Hereditary cancer-predisposing syndrome. Last evaluated: 2024-05-07. Review status: criteria provided, single submitter. Criteria: Ambry Variant Classification Scheme 2023. Collection method: clinical testing. Allele origin: germline.
Comment: The p.S937A variant (also known as c.2809T>G), located in coding exon 21 of the KIT gene, results from a T to G substitution at nucleotide position 2809. The serine at codon 937 is replaced by alanine, an amino acid with similar properties. This amino acid position is conserved. In addition, this alteration is predicted to be tolerated by in silico analysis. Based on the available evidence, the clinical significance of this variant remains unclear.

Labcorp Genetics (formerly Invitae), Labcorp
Classification: Uncertain significance for Gastrointestinal stromal tumor. Last evaluated: 2018-04-28. Review status: criteria provided, single submitter. Criteria: Invitae Variant Classification Sherloc (09022015). Collection method: clinical testing. Allele origin: germline.
Comment: In summary, the available evidence is currently insufficient to determine the role of this variant in disease. Therefore, it has been classified as a Variant of Uncertain Significance. Algorithms developed to predict the effect of missense changes on protein structure and function (SIFT, PolyPhen-2, Align-GVGD) all suggest that this variant is likely to be tolerated, but these predictions have not been confirmed by published functional studies and their clinical significance is uncertain. This variant has not been reported in the literature in individuals with KIT-related disease. This variant is not present in population databases (ExAC no frequency). This sequence change replaces serine with alanine at codon 937 of the KIT protein (p.Ser937Ala). The serine residue is moderately conserved and there is a moderate physicochemical difference between serine and alanine.